The following is an entry in ClinVar:

NM_000435.3(NOTCH3):c.3863G>C (p.Arg1288Pro)

Gene: NOTCH3 (notch receptor 3; minus strand). Cytogenetic location: 19p13.12.
Variant type: single nucleotide variant.
Coding change: c.3863G>C on transcript NM_000435.3 (MANE Select); coding-DNA position 3863, G replaced by C.
Protein change: p.Arg1288Pro; replaces arginine 1288 with proline.
Molecular consequence: missense variant.
Genome position (GRCh38, 1-based): chr19:15,178,065, C>G on the plus strand (G>C on the coding strand, the complement: NOTCH3 is on the minus strand). VCF-style: chr19-15178065-C-G. GRCh37 (hg19) VCF-style: chr19-15288876-C-G.
Other names: short protein forms R1288P.
Identifiers: ClinVar variation 2069728 (VCV002069728.4), dbSNP rs1255319596, ClinGen allele CA404506749.

ClinVar aggregate classification (germline): Uncertain significance (1 of 4 stars; one submission).

Submission:

Labcorp Genetics (formerly Invitae), Labcorp
Classification: Uncertain significance. Last evaluated: 2022-01-02. Review status: criteria provided, single submitter. Criteria: Invitae Variant Classification Sherloc (09022015). Collection method: clinical testing. Allele origin: germline.
Comment: This variant has not been reported in the literature in individuals affected with NOTCH3-related conditions. Advanced modeling of protein sequence and biophysical properties (such as structural, functional, and spatial information, amino acid conservation, physicochemical variation, residue mobility, and thermodynamic stability) performed at Invitae indicates that this missense variant is not expected to disrupt NOTCH3 protein function. In summary, the available evidence is currently insufficient to determine the role of this variant in disease. Therefore, it has been classified as a Variant of Uncertain Significance. This variant is not present in population databases (gnomAD no frequency). This sequence change replaces arginine, which is basic and polar, with proline, which is neutral and non-polar, at codon 1288 of the NOTCH3 protein (p.Arg1288Pro).